The following is an entry in ClinVar:

ClinVar aggregate classification (germline): Pathogenic/Likely pathogenic. Review status: criteria provided, multiple submitters, no conflicts (2 of 4 stars). 2 submissions from 2 submitters: Pathogenic (1); Likely pathogenic (1). Last evaluated 2025-09-30.

Conditions:
Familial dysautonomia. Also called: FD; HSAN III. Identifiers: Orphanet 1764, MedGen C0013364, MONDO:0009131, OMIM 223900. Disease mechanism: loss of function.

Submissions (2):

Natera, Inc.
Classification: Likely pathogenic for Familial dysautonomia. Last evaluated: 2025-09-30. Review status: criteria provided, single submitter. Criteria: Natera Variant Classification Schema (03/2026). Collection method: clinical testing. Allele origin: germline.
Comment: The c.3332del variant in ELP1 is a frameshift variant predicted to shift the reading frame beginning at codon 1111 and leads to a stop codon 4 codons downstream. This variant is expected to result in nonsense mediated decay, truncation, or a dysfunctional protein product. This variant is rare in the general population with a frequency below the threshold expected for the associated phenotype(s). Given the available evidence, this variant is classified as Likely Pathogenic.

Myriad Genetics, Inc.
Classification: Pathogenic for Familial dysautonomia. Last evaluated: 2024-12-13. Review status: criteria provided, single submitter. Criteria: Myriad Autosomal Dominant, Autosomal Recessive and X-Linked Classification Criteria (2023). Collection method: clinical testing. Allele origin: unknown.
Comment: NM_003640.3(ELP1):c.3332delC(P1111Lfs*4) is expected to be pathogenic in the context of familial dysautonomia. This variant is predicted to lead to an abnormal or absent protein product due to the creation of a premature termination codon in ELP1, a gene where loss-of-function variants are known to be pathogenic. Please note: this variant was assessed in the context of healthy population screening.

NM_003640.5(ELP1):c.3332del (p.Pro1111fs)

Gene: ELP1 (elongator acetyltransferase complex subunit 1; minus strand). Cytogenetic location: 9q31.3.
Variant type: Deletion.
Coding change: c.3332del on transcript NM_003640.5 (MANE Select); coding-DNA position 3332, one base deleted (C; older notation c.3332delC).
Protein change: p.Pro1111fs; shifts the reading frame from proline 1111.
Molecular consequence: frameshift variant.
Genome position (GRCh38, 1-based): chr9:108,881,719, G deleted on the plus strand (C on the coding strand, the reverse complement: ELP1 is on the minus strand); the first of 2 consecutive G bases (chr9:108,881,719-108,881,720); deleting either gives the same sequence. VCF-style (leftmost placement, unchanged base first): chr9-108881718-AG-A. GRCh37 (hg19) VCF-style: chr9-111643998-AG-A.
Other names: c.2990del, p.Pro997fs (NM_001318360.2); c.2285del, p.Pro762fs (NM_001330749.2); short protein forms P1111fs, P762fs, P997fs.
Identifiers: ClinVar variation 4815224 (VCV004815224.2).